The following is an entry in ClinVar:

NM_003079.5(SMARCE1):c.1010A>G (p.Asn337Ser)

Gene: SMARCE1 (SWI/SNF related BAF chromatin remodeling complex subunit E1; minus strand). Cytogenetic location: 17q21.2.
Variant type: single nucleotide variant.
Coding change: c.1010A>G on transcript NM_003079.5 (MANE Select); coding-DNA position 1010, A replaced by G.
Protein change: p.Asn337Ser; replaces asparagine 337 with serine.
Molecular consequence: missense variant.
Genome position (GRCh38, 1-based): chr17:40,630,731, T>C on the plus strand (A>G on the coding strand, the complement: SMARCE1 is on the minus strand). VCF-style: chr17-40630731-T-C. GRCh37 (hg19) VCF-style: chr17-38786983-T-C.
Other names: c.1010A>G (NM_003079.4); short protein forms N337S.
Identifiers: ClinVar variation 1403590 (VCV001403590.11), dbSNP rs765235194, ClinGen allele CA8545116.

ClinVar aggregate classification (germline): Conflicting classifications of pathogenicity. Review status: criteria provided, conflicting classifications (1 of 4 stars). 3 submissions from 3 submitters: Uncertain significance (2); Likely benign (1). Last evaluated 2025-03-26.

Conditions:
Hereditary cancer-predisposing syndrome. Also called: Hereditary neoplastic syndrome; Hereditary Cancer Syndrome; Neoplastic Syndromes, Hereditary; Tumor predisposition. Identifiers: Orphanet 140162, MedGen C0027672, MeSH D009386, MONDO:0015356.
Familial meningioma. Also called: Meningioma, familial, susceptibility to. Identifiers: Orphanet 263662, MedGen C3551915, MONDO:0011789, OMIM 607174.
Coffin-Siris syndrome 5 (CSS5). Identifiers: Orphanet 1465, MedGen C4310788, MONDO:0014838, OMIM 616938.

Allele frequency attached by ClinVar (database versions not stated): ExAC 0.00001; gnomAD 0.00001; gnomAD exomes 0.00001 and 0.00002; TOPMed 0.00001.
gnomAD v4.1: 22 of 1,614,036 alleles (0.0014%); highest among the groups gnomAD compares: South Asian, 0.023%; no homozygotes.

Submissions (3):

Labcorp Genetics (formerly Invitae), Labcorp
Classification: Uncertain significance for Familial meningioma. Last evaluated: 2025-03-26. Review status: criteria provided, single submitter. Criteria: Invitae Variant Classification Sherloc (09022015). Collection method: clinical testing. Allele origin: germline.
Comment: This sequence change replaces asparagine, which is neutral and polar, with serine, which is neutral and polar, at codon 337 of the SMARCE1 protein (p.Asn337Ser). This variant is present in population databases (rs765235194, gnomAD 0.01%). This variant has not been reported in the literature in individuals affected with SMARCE1-related conditions. ClinVar contains an entry for this variant (Variation ID: 1403590). Invitae Evidence Modeling of protein sequence and biophysical properties (such as structural, functional, and spatial information, amino acid conservation, physicochemical variation, residue mobility, and thermodynamic stability) indicates that this missense variant is not expected to disrupt SMARCE1 protein function with a negative predictive value of 80%. In summary, the available evidence is currently insufficient to determine the role of this variant in disease. Therefore, it has been classified as a Variant of Uncertain Significance.

Ambry Genetics
Classification: Likely benign for Hereditary cancer-predisposing syndrome. Last evaluated: 2024-10-12. Review status: criteria provided, single submitter. Criteria: Ambry Variant Classification Scheme 2023. Collection method: clinical testing. Allele origin: germline.

Neuberg Centre For Genomic Medicine, NCGM
Classification: Uncertain significance for Coffin-Siris syndrome 5. Last evaluated: 2023-07-22. Review status: criteria provided, single submitter. Criteria: ACMG Guidelines, 2015. Collection method: clinical testing. Allele origin: germline. Inheritance: Autosomal dominant inheritance. Affected: yes.
Comment: The missense variant c.1010A>G p.Asn337Ser in the SMARCE1 gene has not been reported previously as a pathogenic variant nor as a benign variant, to our knowledge. This variant is reported with the allele frequency 0.001% in the gnomAD Exomes. This variant has been reported to the ClinVar database as Uncertain Significance. However, no details are available for independent assessment. The amino acid Asparagine at position 337 is changed to a Serine changing protein sequence and it might alter its composition and physico-chemical properties. Computational evidence Polyphen, SIFT and MutationTaster predicts conflicting evidence on protein structure and function for this variant. For these reasons, this variant has been classified as Uncertain Significance.